The following is an entry in ClinVar:

ClinVar aggregate classification (germline): Uncertain significance. Review status: criteria provided, multiple submitters, no conflicts (2 of 4 stars). 3 submissions from 3 submitters: Uncertain significance (3). Last evaluated 2025-08-02.

Conditions:
Mitochondrial DNA depletion syndrome 13. Also called: FBXL4-Related Encephalomyopathic Mitochondrial DNA Depletion Syndrome; Mitochondrial DNA depletion syndrome 13 (encephalomyopathic type). Identifiers: Orphanet 369897, MedGen C3809592, MONDO:0014198, OMIM 615471.

Allele frequency attached by ClinVar (database versions not stated): ExAC 0.00001; gnomAD exomes 0.00001.
gnomAD v4.1: 38 of 1,614,204 alleles (0.0024%); highest among the groups gnomAD compares: Non-Finnish European, 0.0031%; no homozygotes.

Submissions (3):

Mayo Clinic Laboratories, Mayo Clinic
Classification: Uncertain significance. Last evaluated: 2025-08-02. Review status: criteria provided, single submitter. Criteria: ACMG Guidelines, 2015. Collection method: clinical testing. Allele origin: germline. Observed: 1 variant allele.
Comment: BP4_moderate, PM2_supporting

GeneDx
Classification: Uncertain significance. Last evaluated: 2023-06-05. Review status: criteria provided, single submitter. Criteria: GeneDx Variant Classification Process June 2021. Collection method: clinical testing. Allele origin: germline. Affected: yes.
Comment: Not observed at significant frequency in large population cohorts (gnomAD); In silico analysis supports that this missense variant does not alter protein structure/function; Has not been previously published as pathogenic or benign to our knowledge

Wong Mito Lab, Molecular and Human Genetics, Baylor College of Medicine
Classification: Uncertain significance for Mitochondrial DNA depletion syndrome 13. Last evaluated: 2017-08-10. Review status: criteria provided, single submitter. Criteria: ACMG Guidelines, 2015. Collection method: reference population. Allele origin: germline.
Comment: The NM_012160.4:c.112A>G (NP_036292.2:p.Ile38Val) [GRCH38: NC_000006.12:g.98926877T>C] variant in FBXL4 gene is interpretated to be a Uncertain Significance - Conflicting Evidence based on ACMG guidelines (PMID: 25741868). This variant meets one or more of the following evidence codes reported in the ACMG-guideline. PM2:This variant is absent in key population databases. BP4:Computational evidence/predictors indicate no impact on the FBXL4 structure, function, or protein-protein interaction. Based on this evidence code ClinGen Pathogenicity Calculator (PMID:28081714) suggested that the variant is Uncertain Significance - Conflicting Evidence.

NM_001278716.2(FBXL4):c.112A>G (p.Ile38Val)

Gene: FBXL4 (F-box and leucine rich repeat protein 4; minus strand). Cytogenetic location: 6q16.2.
Variant type: single nucleotide variant.
Coding change: c.112A>G on transcript NM_001278716.2 (MANE Select); coding-DNA position 112, A replaced by G.
Protein change: p.Ile38Val; replaces isoleucine 38 with valine.
Molecular consequence: missense variant. On other transcripts: non-coding transcript variant (2).
Genome position (GRCh38, 1-based): chr6:98,926,877, T>C on the plus strand (A>G on the coding strand, the complement: FBXL4 is on the minus strand). VCF-style: chr6-98926877-T-C. GRCh37 (hg19) VCF-style: chr6-99374753-T-C.
Other names: p.Ile38Val; c.112A>G (NM_012160.3); c.112A>G, p.Ile38Val (NM_012160.5); short protein forms I38V.
Identifiers: ClinVar variation 437538 (VCV000437538.3), dbSNP rs757997109, ClinGen allele CA3933734.